The following is an entry in ClinVar:

ClinVar aggregate classification (germline): Uncertain significance (1 of 4 stars; one submission).

Submission:

Women's Health and Genetics/Laboratory Corporation of America, LabCorp
Classification: Uncertain significance. Last evaluated: 2024-05-02. Review status: criteria provided, single submitter. Criteria: LabCorp Variant Classification Summary - May 2015. Collection method: clinical testing. Allele origin: germline.
Comment: Variant summary: The variant involves the duplication of exons 20-22 in the ANO5 gene. A presumed nomenclature of c.(2235+1_2236-1)_(*3593_?)dup has been designated for the purposes of this classification. The exact breakpoint at the 3' end of this variant is unknown, therefore this duplication may extend downstream of the annotated region of the gene. As it duplicates the termination codon, its effect on the encoded protein is unknown. The variant was absent in 21694 control chromosomes. The available data on variant occurrences in the general population are insufficient to allow any conclusion about variant significance. To our knowledge, no occurrence of c.(2235+1_2236-1)_(*3593_?)dup in individuals affected with Limb-Girdle Muscular Dystrophy, Autosomal Recessive and no experimental evidence demonstrating its impact on protein function have been reported. No submitters have cited clinical-significance assessments for this variant to ClinVar. Based on the evidence outlined above, the variant was classified as uncertain significance.

NC_000011.9:g.(22294536_22296114)_(22304904_?)dup

Gene: ANO5 (anoctamin 5; plus strand). Cytogenetic location: 11p14.3.
Variant type: Duplication.
Identifiers: ClinVar variation 3336231 (VCV003336231.1).